The following is an entry in ClinVar:

NM_000211.5(ITGB2):c.2107G>A (p.Ala703Thr)

Gene: ITGB2 (integrin subunit beta 2; minus strand). Cytogenetic location: 21q22.3.
Variant type: single nucleotide variant.
Coding change: c.2107G>A on transcript NM_000211.5 (MANE Select); coding-DNA position 2107, G replaced by A.
Protein change: p.Ala703Thr; replaces alanine 703 with threonine.
Molecular consequence: missense variant.
Genome position (GRCh38, 1-based): chr21:44,886,876, C>T on the plus strand (G>A on the coding strand, the complement: ITGB2 is on the minus strand). VCF-style: chr21-44886876-C-T. GRCh37 (hg19) VCF-style: chr21-46306791-C-T.
Other names: c.2107G>A (NM_000211.3); c.2107G>A, p.Ala703Thr (NM_001127491.3); c.1900G>A, p.Ala634Thr (NM_001303238.2); short protein forms A634T, A703T.
Identifiers: ClinVar variation 1045954 (VCV001045954.8), dbSNP rs1045859276, ClinGen allele CA321890885.

ClinVar aggregate classification (germline): Uncertain significance. Review status: criteria provided, multiple submitters, no conflicts (2 of 4 stars). 2 submissions from 2 submitters: Uncertain significance (2). Last evaluated 2022-04-07.

Conditions:
Inborn genetic diseases. Identifiers: MedGen C0950123, MeSH D030342.
Leukocyte adhesion deficiency 1 (LAD1). Also called: LEUKOCYTE ADHESION DEFICIENCY, TYPE I; LAD 1; Lymphocyte function-associated antigen 1 immunodeficiency; LFA 1 immunodeficiency. Identifiers: Orphanet 2968, Orphanet 99842, MedGen C0398738, MONDO:0007293, OMIM 116920.

Allele frequency attached by ClinVar (database versions not stated): gnomAD exomes 0.00001; gnomAD 0.00003 and 0.00004; TOPMed 0.00003.
gnomAD v4.1: 12 of 1,613,284 alleles (0.00074%); highest among the groups gnomAD compares: Middle Eastern, 0.016%; no homozygotes.

Submissions (2):

Ambry Genetics
Classification: Uncertain significance for Inborn genetic diseases. Last evaluated: 2022-04-07. Review status: criteria provided, single submitter. Criteria: Ambry Variant Classification Scheme 2023. Collection method: clinical testing. Allele origin: germline.

Labcorp Genetics (formerly Invitae), Labcorp
Classification: Uncertain significance for Leukocyte adhesion deficiency 1. Last evaluated: 2020-03-10. Review status: criteria provided, single submitter. Criteria: Invitae Variant Classification Sherloc (09022015). Collection method: clinical testing. Allele origin: germline.
Comment: Algorithms developed to predict the effect of missense changes on protein structure and function output the following: SIFT: "Deleterious"; PolyPhen-2: "Benign"; Align-GVGD: "Class C55". The threonine amino acid residue is found in multiple mammalian species, suggesting that this missense change does not adversely affect protein function. These predictions have not been confirmed by published functional studies and their clinical significance is uncertain. In summary, the available evidence is currently insufficient to determine the role of this variant in disease. Therefore, it has been classified as a Variant of Uncertain Significance. This variant has not been reported in the literature in individuals with ITGB2-related conditions. This variant is not present in population databases (ExAC no frequency). This sequence change replaces alanine with threonine at codon 703 of the ITGB2 protein (p.Ala703Thr). The alanine residue is highly conserved and there is a small physicochemical difference between alanine and threonine.